The following is an entry in ClinVar:

ClinVar aggregate classification (germline): Uncertain significance (1 of 4 stars; one submission).

Submission:

Ambry Genetics
Classification: Uncertain significance. Last evaluated: 2023-07-27. Review status: criteria provided, single submitter. Criteria: Ambry Variant Classification Scheme 2023. Collection method: clinical testing. Allele origin: germline.
Comment: The p.S369C variant (also known as c.1106C>G), located in coding exon 3 of the PALLD gene, results from a C to G substitution at nucleotide position 1106. The serine at codon 369 is replaced by cysteine, an amino acid with dissimilar properties. This amino acid position is conserved. In addition, the in silico prediction for this alteration is inconclusive. Since supporting evidence is limited at this time, the clinical significance of this alteration remains unclear.

NM_001166108.2(PALLD):c.1106C>G (p.Ser369Cys)

Gene: PALLD (palladin, cytoskeletal associated protein; plus strand). Cytogenetic location: 4q32.3.
Variant type: single nucleotide variant.
Coding change: c.1106C>G on transcript NM_001166108.2 (MANE Select); coding-DNA position 1106, C replaced by G.
Protein change: p.Ser369Cys; replaces serine 369 with cysteine.
Molecular consequence: missense variant. On other transcripts: 5 prime UTR variant (1).
Genome position (GRCh38, 1-based): chr4:168,681,350, C>G. VCF-style: chr4-168681350-C-G. GRCh37 (hg19) VCF-style: chr4-169602501-C-G.
Other names: c.-41C>G (NM_001166109.2); c.1106C>G, p.Ser369Cys (NM_016081.4); short protein forms S369C.
Identifiers: ClinVar variation 2625561 (VCV002625561.2), dbSNP rs2531573745, ClinGen allele CA358794018.
Genomic context (GRCh38, chr4:168,681,350, plus strand): 5'-ACTGATATCTTAACTTTACCATTATCTTTAATACTTTCCCAGGTGCCAGTTCAACAGATT[C>G]TGACAGTGAAAGTTTAGCTTTCAAATCAAGAGCTGGAGCTATGCCACAGTAAGTGCCTAC-3'
Protein context (NP_001159580.1, residues 359-379): VFIEGASSTD[Ser369Cys]DSESLAFKSR